The following is an entry in ClinVar:

ClinVar aggregate classification (germline): Benign/Likely benign. Review status: criteria provided, multiple submitters, no conflicts (2 of 4 stars). 4 submissions from 4 submitters: Benign (2); Likely benign (2). Last evaluated 2026-04-01.

Allele frequency attached by ClinVar (database versions not stated): 1000 Genomes Project 30x 0.00047; 1000 Genomes Project 0.00060; TOPMed 0.00204; gnomAD exomes 0.00249 and 0.00355; ESP Exome Variant Server 0.00263; gnomAD 0.00268 and 0.00279; ExAC 0.00409.
gnomAD v4.1: 5,484 of 1,605,364 alleles (0.34%); highest among the groups gnomAD compares: Non-Finnish European, 0.41%; 17 homozygotes.

Submissions (4):

CeGaT Center for Human Genetics Tuebingen
Classification: Likely benign. Last evaluated: 2026-04-01. Review status: criteria provided, single submitter. Criteria: CeGaT Center For Human Genetics Tuebingen Variant Classification Criteria Version 2. Collection method: clinical testing. Allele origin: germline. Affected: yes. Observed: 8 variant alleles.
Comment: SCYL1: BP4, BS2

Labcorp Genetics (formerly Invitae), Labcorp
Classification: Benign. Last evaluated: 2025-12-11. Review status: criteria provided, single submitter. Criteria: Invitae Variant Classification Sherloc (09022015). Collection method: clinical testing. Allele origin: germline.

Blueprint Genetics
Classification: Likely benign. Last evaluated: 2024-11-25. Review status: criteria provided, single submitter. Criteria: ACMG Guidelines, 2015. Collection method: clinical testing. Allele origin: germline.

Mayo Clinic Laboratories, Mayo Clinic
Classification: Benign. Last evaluated: 2023-12-13. Review status: criteria provided, single submitter. Criteria: ACMG Guidelines, 2015. Collection method: clinical testing. Allele origin: germline. Observed: 4 variant alleles.
Comment: BS1, BS2, BP4

NM_020680.4(SCYL1):c.2158C>T (p.Arg720Trp)

Gene: SCYL1 (SCY1 like pseudokinase 1; plus strand). Cytogenetic location: 11q13.1.
Variant type: single nucleotide variant.
Coding change: c.2158C>T on transcript NM_020680.4 (MANE Select); coding-DNA position 2158, C replaced by T.
Protein change: p.Arg720Trp; replaces arginine 720 with tryptophan.
Molecular consequence: missense variant.
Genome position (GRCh38, 1-based): chr11:65,538,093, C>T. VCF-style: chr11-65538093-C-T. GRCh37 (hg19) VCF-style: chr11-65305564-C-T.
Other names: p.Arg720Trp; c.2107C>T, p.Arg703Trp (NM_001048218.2); short protein forms R720W, R703W.
Identifiers: ClinVar variation 791494 (VCV000791494.51), dbSNP rs201119677, ClinGen allele CA6100062.